The following is an entry in ClinVar:

ClinVar aggregate classification (germline): Conflicting classifications of pathogenicity. Review status: criteria provided, conflicting classifications (1 of 4 stars). 3 submissions from 3 submitters: Uncertain significance (2); Benign (1). Last evaluated 2024-11-18.

Conditions:
Inborn genetic diseases. Identifiers: MedGen C0950123, MeSH D030342.
Intellectual developmental disorder, autosomal dominant 46. Also called: MENTAL RETARDATION, AUTOSOMAL DOMINANT 46; Intellectual disability, autosomal dominant 46. Identifiers: MedGen C4539851, MONDO:0030911, OMIM 617601.

Allele frequency attached by ClinVar (database versions not stated): gnomAD exomes below 0.00001; gnomAD 0.00001; TOPMed 0.00001.
gnomAD v4.1: 5 of 1,224,838 alleles (0.00041%); highest among the groups gnomAD compares: Middle Eastern, 0.031%; no homozygotes.

Submissions (3):

Labcorp Genetics (formerly Invitae), Labcorp
Classification: Benign. Last evaluated: 2024-11-18. Review status: criteria provided, single submitter. Criteria: Invitae Variant Classification Sherloc (09022015). Collection method: clinical testing. Allele origin: germline.

Ambry Genetics
Classification: Uncertain significance for Inborn genetic diseases. Last evaluated: 2024-01-03. Review status: criteria provided, single submitter. Criteria: Ambry Variant Classification Scheme 2023. Collection method: clinical testing. Allele origin: germline.

Juno Genomics, Hangzhou Juno Genomics, Inc
Classification: Uncertain significance for Intellectual developmental disorder, autosomal dominant 46. Review status: criteria provided, single submitter. Criteria: ACMG Guidelines, 2015. Collection method: clinical testing. Allele origin: germline. Affected: yes.
Comment: Missense variant in a gene that has a low rate of benign missense variation and where missense variants are a common mechanism of disease.;Absent from controls (or at extremely low frequency if recessive) in Genome Aggregation Database, Exome Sequencing Project, 1000 Genomes Project, or Exome Aggregation Consortium.;Multiple lines of computational evidence support a deleterious effect on the gene or gene product (conservation, evolutionary, splicing impact, etc).

NM_019842.4(KCNQ5):c.8G>T (p.Arg3Leu)

Genes: KCNQ5 (potassium voltage-gated channel subfamily Q member 5; plus strand), KCNQ5-DT (KCNQ5 divergent transcript; minus strand), LOC129996711 (ATAC-STARR-seq lymphoblastoid silent region 17329; plus strand). Cytogenetic location: 6q13.
Variant type: single nucleotide variant.
Coding change: c.8G>T on transcript NM_019842.4 (MANE Select); coding-DNA position 8, G replaced by T.
Protein change: p.Arg3Leu; replaces arginine 3 with leucine.
Molecular consequence: missense variant.
Genome position (GRCh38, 1-based): chr6:72,622,197, G>T. VCF-style: chr6-72622197-G-T. GRCh37 (hg19) VCF-style: chr6-73331925-G-T.
Other names: c.8G>T, p.Arg3Leu (NM_001160130.2, NM_001160132.2, NM_001160133.2 and 1 more transcripts); c.8G>T (NM_001160133.1); short protein forms R3L.
Identifiers: ClinVar variation 2982623 (VCV002982623.6), dbSNP rs1446827633, ClinGen allele CA364823961.
Genomic context (GRCh38, chr6:72,622,197, plus strand): 5'-GCTGCCCCCGCCGCAGGCGCTGGCGGCCCCCTCGCGGTGCCCGTGGTGATGCCATGCCCC[G>T]CCACCACGCGGGAGGAGAGGAGGGCGGCGCCGCCGGGCTCTGGGTGAAGAGCGGCGCAGC-3'
Protein context (NP_062816.2, residues 1-13): MP[Arg3Leu]HHAGGEEGGA